The following is an entry in ClinVar:

NM_003737.4(DCHS1):c.7536C>A (p.Ser2512Arg)

Gene: DCHS1 (dachsous cadherin-related 1; minus strand). Cytogenetic location: 11p15.4.
Variant type: single nucleotide variant.
Coding change: c.7536C>A on transcript NM_003737.4 (MANE Select); coding-DNA position 7536, C replaced by A.
Protein change: p.Ser2512Arg; replaces serine 2512 with arginine.
Molecular consequence: missense variant.
Genome position (GRCh38, 1-based): chr11:6,624,140, G>T on the plus strand (C>A on the coding strand, the complement: DCHS1 is on the minus strand). VCF-style: chr11-6624140-G-T. GRCh37 (hg19) VCF-style: chr11-6645371-G-T.
Other names: short protein forms S2512R.
Identifiers: ClinVar variation 4811245 (VCV004811245.1).

ClinVar aggregate classification (germline): Uncertain significance (1 of 4 stars; one submission).

Submission:

Labcorp Genetics (formerly Invitae), Labcorp
Classification: Uncertain significance. Last evaluated: 2025-12-20. Review status: criteria provided, single submitter. Criteria: Invitae Variant Classification Sherloc (09022015). Collection method: clinical testing. Allele origin: germline.
Comment: This sequence change replaces serine, which is neutral and polar, with arginine, which is basic and polar, at codon 2512 of the DCHS1 protein (p.Ser2512Arg). This variant is not present in population databases (gnomAD no frequency). This variant has not been reported in the literature in individuals affected with DCHS1-related conditions. Invitae Evidence Modeling of protein sequence and biophysical properties (such as structural, functional, and spatial information, amino acid conservation, physicochemical variation, residue mobility, and thermodynamic stability) indicates that this missense variant is not expected to disrupt DCHS1 protein function with a negative predictive value of 80%. In summary, the available evidence is currently insufficient to determine the role of this variant in disease. Therefore, it has been classified as a Variant of Uncertain Significance.